The following is an entry in ClinVar:

ClinVar aggregate classification (germline): Benign/Likely benign. Review status: criteria provided, multiple submitters, no conflicts (2 of 4 stars). 4 submissions from 4 submitters: Benign (2); Likely benign (1). 1 of the submissions does not count toward it. Last evaluated 2025-01-01.

Conditions:
PLXND1-related disorder. Also called: PLXND1-related condition.

Allele frequency attached by ClinVar (database versions not stated): gnomAD 0.00340 and 0.00326; ExAC 0.00469; 1000 Genomes Project 30x 0.00078; 1000 Genomes Project 0.00080; ESP Exome Variant Server 0.00269; TOPMed 0.00274; gnomAD exomes 0.00326.

Submissions (4):

CeGaT Center for Human Genetics Tuebingen
Classification: Likely benign. Last evaluated: 2025-01-01. Review status: criteria provided, single submitter. Criteria: CeGaT Center For Human Genetics Tuebingen Variant Classification Criteria Version 2. Collection method: clinical testing. Allele origin: germline. Affected: yes. Observed: 1 variant allele.
Comment: PLXND1: BP4, BS2

Labcorp Genetics (formerly Invitae), Labcorp
Classification: Benign. Last evaluated: 2019-12-31. Review status: criteria provided, single submitter. Criteria: Invitae Variant Classification Sherloc (09022015). Collection method: clinical testing. Allele origin: germline.

Breakthrough Genomics
Classification: Benign. Review status: criteria provided, single submitter. Criteria: ACMG Guidelines, 2015. Collection method: not provided. Allele origin: germline. Inheritance: Unknown mechanism. Affected: yes.

PreventionGenetics, part of Exact Sciences
Classification: Benign for PLXND1-related condition. Last evaluated: 2019-08-07. Review status: no assertion criteria provided. Collection method: clinical testing. Allele origin: germline. Not counted in ClinVar's aggregate classification.
Comment: This variant is classified as benign based on ACMG/AMP sequence variant interpretation guidelines (Richards et al. 2015 PMID: 25741868, with internal and published modifications).

NM_015103.3(PLXND1):c.2275C>T (p.Pro759Ser)

Gene: PLXND1 (plexin D1; minus strand). Cytogenetic location: 3q22.1.
Variant type: single nucleotide variant.
Coding change: c.2275C>T on transcript NM_015103.3 (MANE Select); coding-DNA position 2275, C replaced by T.
Protein change: p.Pro759Ser; replaces proline 759 with serine.
Molecular consequence: missense variant.
Genome position (GRCh38, 1-based): chr3:129,578,400, G>A on the plus strand (C>T on the coding strand, the complement: PLXND1 is on the minus strand). VCF-style: chr3-129578400-G-A. GRCh37 (hg19) VCF-style: chr3-129297243-G-A.
Other names: short protein forms P759S.
Identifiers: ClinVar variation 789278 (VCV000789278.20), dbSNP rs137955512, ClinGen allele CA2609093.
Genomic context (GRCh38, chr3:129,578,400, plus strand): 5'-CAGTGTTGGCCAGAGGCACCAGGATGTTCTGGGAGCCACCCGTAGGCACGGGTGCCAGGG[G>A]TGAGAGCAGGGTCCGGGGGCAGTCCTGAGGGCTCTGCAGAGGAAACAGAAGGAGAGGGTG-3'
Protein context (NP_055918.3, residues 749-769): PQDCPRTLLS[Pro759Ser]LAPVPTGGSQ